The following is an entry in ClinVar:

ClinVar aggregate classification (germline): Uncertain significance (1 of 4 stars; one submission).

Conditions:
BBS5-related disorder. Also called: BBS5-related condition.

Submission:

PreventionGenetics, part of Exact Sciences
Classification: Uncertain significance for BBS5-related condition. Last evaluated: 2024-12-26. Review status: criteria provided, single submitter. Criteria: ACMG Guidelines, 2015. Collection method: clinical testing. Allele origin: germline.
Comment: The BBS5 c.137A>T variant is predicted to result in the amino acid substitution p.Asp46Val. To our knowledge, this variant has not been reported in the literature or in a large population database (gnomad), indicating this variant is rare. At this time, the clinical significance of this variant is uncertain due to the absence of conclusive functional and genetic evidence.

NM_152384.3(BBS5):c.137A>T (p.Asp46Val)

Gene: BBS5 (Bardet-Biedl syndrome 5; plus strand). Cytogenetic location: 2q31.1.
Variant type: single nucleotide variant.
Coding change: c.137A>T on transcript NM_152384.3 (MANE Select); coding-DNA position 137, A replaced by T.
Protein change: p.Asp46Val; replaces aspartic acid 46 with valine.
Molecular consequence: missense variant.
Genome position (GRCh38, 1-based): chr2:169,482,328, A>T. VCF-style: chr2-169482328-A-T. GRCh37 (hg19) VCF-style: chr2-170338838-A-T.
Other names: short protein forms D46V.
Identifiers: ClinVar variation 4984374 (VCV004984374.1).